The following is an entry in ClinVar:

ClinVar aggregate classification (germline): Conflicting classifications of pathogenicity. Review status: criteria provided, conflicting classifications (1 of 4 stars). 5 submissions from 5 submitters: Uncertain significance (1); Likely benign (3). 1 of the submissions does not count toward it. Last evaluated 2026-04-16.

Conditions:
EDNRB-related disorder. Also called: EDNRB-related disorders; EDNRB-related condition.

Allele frequency attached by ClinVar (database versions not stated): gnomAD 0.00001; TOPMed 0.00001; gnomAD exomes 0.00002.
gnomAD v4.1: 33 of 1,603,862 alleles (0.0021%); highest among the groups gnomAD compares: Non-Finnish European, 0.0027%; no homozygotes.

Submissions (5):

Women's Health and Genetics/Laboratory Corporation of America, LabCorp
Classification: Likely benign. Last evaluated: 2026-04-16. Review status: criteria provided, single submitter. Criteria: LabCorp Variant Classification Summary - May 2015. Collection method: clinical testing. Allele origin: germline.

Greenwood Genetic Center Diagnostic Laboratories, Greenwood Genetic Center
Classification: Uncertain significance. Last evaluated: 2025-04-28. Review status: criteria provided, single submitter. Criteria: ACMG Guidelines, 2015. Collection method: clinical testing. Allele origin: germline. Affected: yes.
Comment: PM2, BP4

Labcorp Genetics (formerly Invitae), Labcorp
Classification: Likely benign. Last evaluated: 2024-11-11. Review status: criteria provided, single submitter. Criteria: Invitae Variant Classification Sherloc (09022015). Collection method: clinical testing. Allele origin: germline.

Laboratory for Molecular Medicine, Mass General Brigham Personalized Medicine
Classification: Likely benign. Last evaluated: 2017-06-26. Review status: criteria provided, single submitter. Criteria: LMM Criteria. Collection method: clinical testing. Allele origin: germline. Observed: 1 variant allele.
Comment: p.Leu152Leu in exon 2 of EDNRB: This variant is not expected to have clinical si gnificance because it does not alter an amino acid residue and it is not located within the splice consensus sequence. It has been identified in 4/108928 Europ ean chromosomes by the Genome Aggregation Database (gnomAD; dbSNP rs62637639).

PreventionGenetics, part of Exact Sciences
Classification: Likely benign for EDNRB-related condition. Last evaluated: 2019-03-01. Review status: no assertion criteria provided. Collection method: clinical testing. Allele origin: germline. Not counted in ClinVar's aggregate classification.
Comment: This variant is classified as likely benign based on ACMG/AMP sequence variant interpretation guidelines (Richards et al. 2015 PMID: 25741868, with internal and published modifications).

NM_001122659.3(EDNRB):c.186G>A (p.Leu62=)

Gene: EDNRB (endothelin receptor type B; minus strand). Cytogenetic location: 13q22.3.
Variant type: single nucleotide variant.
Coding change: c.186G>A on transcript NM_001122659.3 (MANE Select); coding-DNA position 186, G replaced by A.
Protein change: p.Leu62=; no amino-acid change (leucine 62 retained).
Molecular consequence: synonymous variant.
Genome position (GRCh38, 1-based): chr13:77,918,388, C>T on the plus strand (G>A on the coding strand, the complement: EDNRB is on the minus strand). VCF-style: chr13-77918388-C-T. GRCh37 (hg19) VCF-style: chr13-78492523-C-T.
Other names: c.186G>A, p.Leu62= (NM_000115.5, NM_003991.4); c.456G>A, p.Leu152= (NM_001201397.2); c.186G>A (NM_000115.4).
Identifiers: ClinVar variation 517459 (VCV000517459.14), dbSNP rs62637639, ClinGen allele CA253049870.